The following is an entry in ClinVar:

NM_014915.3(ANKRD26):c.3821A>C (p.Gln1274Pro)

Gene: ANKRD26 (ankyrin repeat domain containing 26; minus strand). Cytogenetic location: 10p12.1.
Variant type: single nucleotide variant.
Coding change: c.3821A>C on transcript NM_014915.3 (MANE Select); coding-DNA position 3821, A replaced by C.
Protein change: p.Gln1274Pro; replaces glutamine 1274 with proline.
Molecular consequence: missense variant.
Genome position (GRCh38, 1-based): chr10:27,029,343, T>G on the plus strand (A>C on the coding strand, the complement: ANKRD26 is on the minus strand). VCF-style: chr10-27029343-T-G. GRCh37 (hg19) VCF-style: chr10-27318272-T-G.
Other names: c.3818A>C, p.Gln1273Pro (NM_001256053.2); short protein forms Q1273P, Q1274P.
Identifiers: ClinVar variation 2597074 (VCV002597074.3), dbSNP rs1446112352, ClinGen allele CA376360620.

ClinVar aggregate classification (germline): Uncertain significance (1 of 4 stars; one submission).

Conditions:
Inborn genetic diseases. Identifiers: MedGen C0950123, MeSH D030342.

Allele frequency attached by ClinVar (database versions not stated): TOPMed below 0.00001; gnomAD 0.00001; gnomAD exomes 0.00001.
gnomAD v4.1: 4 of 1,612,262 alleles (0.00025%); highest among the groups gnomAD compares: Non-Finnish European, 0.00034%; no homozygotes.

Submission:

Ambry Genetics
Classification: Uncertain significance for Inborn genetic diseases. Last evaluated: 2024-11-28. Review status: criteria provided, single submitter. Criteria: Ambry Variant Classification Scheme 2023. Collection method: clinical testing. Allele origin: germline.
Comment: The p.Q1274P variant (also known as c.3821A>C), located in coding exon 26 of the ANKRD26 gene, results from an A to C substitution at nucleotide position 3821. The glutamine at codon 1274 is replaced by proline, an amino acid with similar properties. This amino acid position is conserved. In addition, this alteration is predicted to be tolerated by in silico analysis. Based on the available evidence, the clinical significance of this variant remains unclear.